The following is an entry in ClinVar:

NM_000069.3(CACNA1S):c.1166A>T (p.Asp389Val)

Gene: CACNA1S (calcium voltage-gated channel subunit alpha1 S; minus strand). Cytogenetic location: 1q32.1.
Variant type: single nucleotide variant.
Coding change: c.1166A>T on transcript NM_000069.3 (MANE Select); coding-DNA position 1166, A replaced by T.
Protein change: p.Asp389Val; replaces aspartic acid 389 with valine.
Molecular consequence: missense variant.
Genome position (GRCh38, 1-based): chr1:201,085,016, T>A on the plus strand (A>T on the coding strand, the complement: CACNA1S is on the minus strand). VCF-style: chr1-201085016-T-A. GRCh37 (hg19) VCF-style: chr1-201054144-T-A.
Other names: short protein forms D389V.
Identifiers: ClinVar variation 373207 (VCV000373207.31), dbSNP rs148770452, ClinGen allele CA078019.

ClinVar aggregate classification (germline): Conflicting classifications of pathogenicity. Review status: criteria provided, conflicting classifications (1 of 4 stars). 8 submissions from 7 submitters: Uncertain significance (6); Benign (1). 1 of the submissions does not count toward it. Last evaluated 2026-01-31.

Conditions:
CACNA1S-related disorder. Also called: CACNA1S-related condition.
Congenital myopathy 18. Also called: Myopathy, congenital, due to dihydropyridine receptor defect; DIHYDROPYRIDINE RECEPTOR CONGENITAL MYOPATHY; DHPR CONGENITAL MYOPATHY. Identifiers: MedGen C5830283, MONDO:0859514, OMIM 620246.
Malignant hyperthermia, susceptibility to, 5 (MHS5). Also called: CACNA1S-Related Malignant Hyperthermia Susceptibility. Identifiers: Orphanet 423, MedGen C1866077, MONDO:0011163, OMIM 601887.
Hypokalemic periodic paralysis, type 1. Also called: HypoPP; Hypokalemic Periodic Paralysis Type 1 (AD). Identifiers: Orphanet 681, MedGen C3714580, MONDO:0042979, OMIM 170400.
Thyrotoxic periodic paralysis, susceptibility to, 1 (TTPP1). Identifiers: Orphanet 79102, MedGen C2749982, MONDO:0008570, OMIM 188580.

Allele frequency attached by ClinVar (database versions not stated): ESP Exome Variant Server 0.00031; gnomAD 0.00011; TOPMed 0.00012; gnomAD exomes 0.00014 and 0.00015; ExAC 0.00021.
gnomAD v4.1: 237 of 1,611,306 alleles (0.015%); highest among the groups gnomAD compares: Middle Eastern, 0.085%; no homozygotes.

Submissions (8):

Labcorp Genetics (formerly Invitae), Labcorp
Classification: Benign for Hypokalemic periodic paralysis, type 1; Malignant hyperthermia, susceptibility to, 5. Last evaluated: 2026-01-31. Review status: criteria provided, single submitter. Criteria: Invitae Variant Classification Sherloc (09022015). Collection method: clinical testing. Allele origin: germline.

CeGaT Center for Human Genetics Tuebingen
Classification: Uncertain significance. Last evaluated: 2025-12-01. Review status: criteria provided, single submitter. Criteria: CeGaT Center For Human Genetics Tuebingen Variant Classification Criteria Version 2. Collection method: clinical testing. Allele origin: germline. Affected: yes. Observed: 1 variant allele.

PreventionGenetics, part of Exact Sciences
Classification: Uncertain significance for CACNA1S-related condition. Last evaluated: 2025-11-12. Review status: criteria provided, single submitter. Criteria: ACMG Guidelines, 2015. Collection method: clinical testing. Allele origin: germline.
Comment: The CACNA1S c.1166A>T variant is predicted to result in the amino acid substitution p.Asp389Val. To our knowledge, this variant has not been reported in the literature. This variant is reported in 0.031% of alleles in individuals of European (non-Finnish) descent in gnomAD, which may be too frequent to be a primary cause of an autosomal dominant disease. Although we suspect that this variant may be benign, at this time, the clinical significance of this variant is uncertain due to the absence of conclusive functional and genetic evidence.

Blueprint Genetics
Classification: Uncertain significance. Last evaluated: 2024-10-23. Review status: criteria provided, single submitter. Criteria: ACMG Guidelines, 2015. Collection method: clinical testing. Allele origin: germline.

Color Diagnostics, LLC DBA Color Health
Classification: Uncertain significance for Malignant hyperthermia, susceptibility to, 5. Last evaluated: 2024-04-25. Review status: criteria provided, single submitter. Criteria: ACMG Guidelines, 2015. Collection method: clinical testing. Allele origin: germline.
Comment: This missense variant replaces aspartic acid with valine at codon 389 of the CACNA1S protein. Computational prediction suggests that this variant may not impact protein structure and function. To our knowledge, functional studies have not been reported for this variant. This variant has not been reported in individuals affected with CACNA1S-related disorders in the literature. This variant has been identified in 42/280998 chromosomes in the general population by the Genome Aggregation Database (gnomAD). The available evidence is insufficient to determine the role of this variant in disease conclusively. Therefore, this variant is classified as a Variant of Uncertain Significance.

Fulgent Genetics
Classification: Uncertain significance for Hypokalemic periodic paralysis, type 1; Thyrotoxic periodic paralysis, susceptibility to, 1; Malignant hyperthermia, susceptibility to, 5; Congenital myopathy 18. Last evaluated: 2024-01-05. Review status: criteria provided, single submitter. Criteria: ACMG Guidelines, 2015. Collection method: clinical testing. Allele origin: germline.

GeneDx
Classification: Uncertain significance. Last evaluated: 2019-04-26. Review status: criteria provided, single submitter. Criteria: GeneDx Variant Classification Process June 2021. Collection method: clinical testing. Allele origin: germline. Affected: yes.
Comment: In silico analysis, which includes protein predictors and evolutionary conservation, supports that this variant does not alter protein structure/function; Has not been previously published as pathogenic or benign to our knowledge

GeneDx
Classification: Uncertain significance. Last evaluated: 2016-11-15. Review status: flagged submission. Criteria: GeneDx Variant Classification (06012015). Collection method: clinical testing. Allele origin: germline. Affected: yes. Not counted in ClinVar's aggregate classification.
Comment: The D389V variant has not been published as a pathogenic variant, nor has it been reported as a benign variant to our knowledge. It was not observed with any significant frequency in approximately 6,500 individuals of European and African American ancestry in the NHLBI Exome Sequencing Project. The D389V variant is a non-conservative amino acid substitution, which is likely to impact secondary protein structure as these residues differ in polarity, charge, size and/or other properties. However, this substitution occurs at a position that is not conserved, and missense variants in nearby residues have not been reported in the Human Gene Mutation Database in association with CACNA1S-related disorders (Stenson et al., 2014). In silico analysis is inconsistent in its predictions as to whether or not the variant is damaging to the protein structure/function.
ClinVar note: Reason: This record appears to be redundant with a more recent record from the same submitter.
ClinVar note: Notes: SCV000491785 appears to be redundant with SCV001825505.